The following is an entry in ClinVar:

ClinVar aggregate classification (germline): Uncertain significance (1 of 4 stars; one submission).

Submission:

Labcorp Genetics (formerly Invitae), Labcorp
Classification: Uncertain significance. Last evaluated: 2024-02-07. Review status: criteria provided, single submitter. Criteria: Invitae Variant Classification Sherloc (09022015). Collection method: clinical testing. Allele origin: germline.
Comment: This sequence change replaces isoleucine, which is neutral and non-polar, with serine, which is neutral and polar, at codon 602 of the TMC1 protein (p.Ile602Ser). This variant is not present in population databases (gnomAD no frequency). This variant has not been reported in the literature in individuals affected with TMC1-related conditions. Advanced modeling of protein sequence and biophysical properties (such as structural, functional, and spatial information, amino acid conservation, physicochemical variation, residue mobility, and thermodynamic stability) has been performed at Invitae for this missense variant, however the output from this modeling did not meet the statistical confidence thresholds required to predict the impact of this variant on TMC1 protein function. In summary, the available evidence is currently insufficient to determine the role of this variant in disease. Therefore, it has been classified as a Variant of Uncertain Significance.

NM_138691.3(TMC1):c.1805T>G (p.Ile602Ser)

Gene: TMC1 (transmembrane channel like 1; plus strand). Cytogenetic location: 9q21.13.
Variant type: single nucleotide variant.
Coding change: c.1805T>G on transcript NM_138691.3 (MANE Select); coding-DNA position 1805, T replaced by G.
Protein change: p.Ile602Ser; replaces isoleucine 602 with serine.
Molecular consequence: missense variant.
Genome position (GRCh38, 1-based): chr9:72,820,883, T>G. VCF-style: chr9-72820883-T-G. GRCh37 (hg19) VCF-style: chr9-75435799-T-G.
Other names: short protein forms I602S.
Identifiers: ClinVar variation 2708805 (VCV002708805.3), dbSNP rs1041352991, ClinGen allele CA193296966.